The following is an entry in ClinVar:

ClinVar aggregate classification (germline): Pathogenic (1 of 4 stars; one submission).

Conditions:
Mitochondrial complex V (ATP synthase) deficiency, nuclear type 2. Also called: Nuclear-Encoded ATPase Deficiency, TMEM70-Related; ENCEPHALOCARDIOMYOPATHY, MITOCHONDRIAL, NEONATAL, DUE TO ATP SYNTHASE DEFICIENCY; MITOCHONDRIAL COMPLEX V (ATP SYNTHASE) DEFICIENCY, TMEM70 TYPE. Identifiers: Orphanet 1194, MedGen C3279699, MONDO:0013546, OMIM 614052.

Allele frequency attached by ClinVar (database versions not stated): gnomAD exomes below 0.00001.
gnomAD v4.1: 1 of 1,613,856 alleles (0.000062%); highest among the groups gnomAD compares: Non-Finnish European, 0.000085%; no homozygotes.

Submission:

Labcorp Genetics (formerly Invitae), Labcorp
Classification: Pathogenic for Mitochondrial complex V (ATP synthase) deficiency, nuclear type 2. Last evaluated: 2023-03-29. Review status: criteria provided, single submitter. Criteria: Invitae Variant Classification Sherloc (09022015). Collection method: clinical testing. Allele origin: germline.
Comment: For these reasons, this variant has been classified as Pathogenic. Algorithms developed to predict the effect of sequence changes on RNA splicing suggest that this variant may create or strengthen a splice site. This variant has not been reported in the literature in individuals affected with TMEM70-related conditions. This variant is not present in population databases (gnomAD no frequency). This sequence change creates a premature translational stop signal (p.Trp75*) in the TMEM70 gene. It is expected to result in an absent or disrupted protein product. Loss-of-function variants in TMEM70 are known to be pathogenic (PMID: 18953340, 21147908).

Literature cited by the submitters: PubMed 18953340; PubMed 21147908.

NM_017866.6(TMEM70):c.224G>A (p.Trp75Ter)

Gene: TMEM70 (transmembrane protein 70; plus strand). Cytogenetic location: 8q21.11.
Variant type: single nucleotide variant.
Coding change: c.224G>A on transcript NM_017866.6 (MANE Select); coding-DNA position 224, G replaced by A.
Protein change: p.Trp75Ter; replaces tryptophan 75 with a stop codon.
Molecular consequence: nonsense. On other transcripts: non-coding transcript variant (1).
Genome position (GRCh38, 1-based): chr8:73,978,769, G>A. VCF-style: chr8-73978769-G-A. GRCh37 (hg19) VCF-style: chr8-74891004-G-A.
Other names: c.224G>A, p.Trp75Ter (NM_001040613.3); short protein forms W75*.
Identifiers: ClinVar variation 2917119 (VCV002917119.3), dbSNP rs2536392852, ClinGen allele CA371489511.